The following is an entry in ClinVar:

ClinVar aggregate classification (germline): Uncertain significance. Review status: criteria provided, multiple submitters, no conflicts (2 of 4 stars). 2 submissions from 2 submitters: Uncertain significance (2). Last evaluated 2024-08-23.

Conditions:
Hereditary pancreatitis (PCTT). Also called: Hereditary chronic pancreatitis; PRSS1-Related Hereditary Pancreatitis. Identifiers: Orphanet 676, MedGen C0238339, MONDO:0008185, OMIM 167800.

Submissions (2):

Ambry Genetics
Classification: Uncertain significance for Hereditary pancreatitis. Last evaluated: 2024-08-23. Review status: criteria provided, single submitter. Criteria: Ambry Variant Classification Scheme 2023. Collection method: clinical testing. Allele origin: germline.
Comment: The p.S60P variant (also known as c.178T>C), located in coding exon 2 of the PRSS1 gene, results from a T to C substitution at nucleotide position 178. The serine at codon 60 is replaced by proline, an amino acid with similar properties. This amino acid position is highly conserved in available vertebrate species. In addition, this alteration is predicted to be deleterious by in silico analysis. Based on the available evidence, the clinical significance of this variant remains unclear.

Labcorp Genetics (formerly Invitae), Labcorp
Classification: Uncertain significance for Hereditary pancreatitis. Last evaluated: 2022-10-19. Review status: criteria provided, single submitter. Criteria: Invitae Variant Classification Sherloc (09022015). Collection method: clinical testing. Allele origin: germline.
Comment: Advanced modeling of protein sequence and biophysical properties (such as structural, functional, and spatial information, amino acid conservation, physicochemical variation, residue mobility, and thermodynamic stability) performed at Invitae indicates that this missense variant is expected to disrupt PRSS1 protein function. This sequence change replaces serine, which is neutral and polar, with proline, which is neutral and non-polar, at codon 60 of the PRSS1 protein (p.Ser60Pro). This variant is not present in population databases (gnomAD no frequency). This variant has not been reported in the literature in individuals affected with PRSS1-related conditions. In summary, the available evidence is currently insufficient to determine the role of this variant in disease. Therefore, it has been classified as a Variant of Uncertain Significance.

NM_002769.5(PRSS1):c.178T>C (p.Ser60Pro)

Genes: PRSS1 (serine protease 1; plus strand), TRB (T cell receptor beta locus; plus strand). Cytogenetic location: 7q34.
Variant type: single nucleotide variant.
Coding change: c.178T>C on transcript NM_002769.5 (MANE Select); coding-DNA position 178, T replaced by C.
Protein change: p.Ser60Pro; replaces serine 60 with proline.
Molecular consequence: missense variant. On other transcripts: non-coding transcript variant (4).
Genome position (GRCh38, 1-based): chr7:142,750,692, T>C. VCF-style: chr7-142750692-T-C. GRCh37 (hg19) VCF-style: chr7-142458543-T-C.
Other names: c.178T>C (NM_002769.4); short protein forms S60P.
Identifiers: ClinVar variation 2420958 (VCV002420958.7), dbSNP rs2485733911, ClinGen allele CA369607524.